The following is an entry in ClinVar:

NM_001379200.1(TBX1):c.1089_1090delinsAA (p.Leu364Ile)

Gene: TBX1 (T-box transcription factor 1; plus strand). Cytogenetic location: 22q11.21.
Variant type: Indel.
Coding change: c.1089_1090delinsAA on transcript NM_001379200.1 (MANE Select); coding-DNA positions 1089 to 1090, GC replaced by AA.
Protein change: p.Leu364Ile; replaces leucine 364 with isoleucine.
Molecular consequence: missense variant. On other transcripts: intron variant (2).
Genome position (GRCh38, 1-based): chr22:19,766,441-19,766,442, GC replaced by AA. VCF-style: chr22-19766441-GC-AA. GRCh37 (hg19) VCF-style: chr22-19753964-GC-AA.
Other names: c.1062_1063delinsAA, p.Leu355Ile (NM_080647.1); c.1009+439_1009+440delinsAA (NM_005992.1, NM_080646.2); short protein forms L364I, L355I.
Identifiers: ClinVar variation 2090637 (VCV002090637.4), dbSNP rs2517857521, ClinGen allele CA2580099142.

ClinVar aggregate classification (germline): Uncertain significance (1 of 4 stars; one submission).

Conditions:
DiGeorge syndrome. Also called: Catch22; THIRD AND FOURTH PHARYNGEAL POUCH SYNDROME. Identifiers: Orphanet 567, MedGen C0012236, MONDO:0008564, OMIM 188400.

Submission:

Labcorp Genetics (formerly Invitae), Labcorp
Classification: Uncertain significance for DiGeorge syndrome. Last evaluated: 2024-12-02. Review status: criteria provided, single submitter. Criteria: Invitae Variant Classification Sherloc (09022015). Collection method: clinical testing. Allele origin: germline.
Comment: This sequence change replaces leucine, which is neutral and non-polar, with isoleucine, which is neutral and non-polar, at codon 355 of the TBX1 protein (p.Leu355Ile). Information on the frequency of this variant in the gnomAD database is not available, as this variant may be reported differently in the database. This variant has not been reported in the literature in individuals affected with TBX1-related conditions. ClinVar contains an entry for this variant (Variation ID: 2090637). Experimental studies and prediction algorithms are not available or were not evaluated, and the functional significance of this variant is currently unknown. In summary, the available evidence is currently insufficient to determine the role of this variant in disease. Therefore, it has been classified as a Variant of Uncertain Significance.